The following is an entry in ClinVar:

NM_001165963.4(SCN1A):c.4852G>C (p.Gly1618Arg)

Genes: SCN1A (sodium voltage-gated channel alpha subunit 1; minus strand), LOC102724058 (uncharacterized LOC102724058; plus strand). Cytogenetic location: 2q24.3.
Variant type: single nucleotide variant.
Coding change: c.4852G>C on transcript NM_001165963.4 (MANE Select); coding-DNA position 4852, G replaced by C.
Protein change: p.Gly1618Arg; replaces glycine 1618 with arginine.
Molecular consequence: missense variant. On other transcripts: non-coding transcript variant (1).
Genome position (GRCh38, 1-based): chr2:165,994,146, C>G on the plus strand (G>C on the coding strand, the complement: SCN1A is on the minus strand). VCF-style: chr2-165994146-C-G. GRCh37 (hg19) VCF-style: chr2-166850656-C-G.
Other names: c.4768G>C, p.Gly1590Arg (NM_001165964.3, NM_001353957.2, NM_001353958.2); c.4852G>C, p.Gly1618Arg (NM_001202435.3, NM_001353948.2); c.4819G>C, p.Gly1607Arg (NM_001353949.2, NM_001353950.2, NM_001353951.2 and 2 more transcripts); c.4816G>C, p.Gly1606Arg (NM_001353954.2, NM_001353955.2); c.4765G>C, p.Gly1589Arg (NM_001353960.2); c.2410G>C, p.Gly804Arg (NM_001353961.2); short protein forms G1589R, G1590R, G1606R, G1607R, G1618R, G804R.
Identifiers: ClinVar variation 2703974 (VCV002703974.3), dbSNP rs2105447216, ClinGen allele CA349071216.
Genomic context (GRCh38, chr2:165,994,146, plus strand): 5'-TTGATTGTTTCAGCTTTCACTTTTATTTAACTGAATTTAAGAACTTTAAATATTTCTTAC[C>G]TACAATGGAGAGAATGACAACCACAAAATCAAAAATATTCCATCCAATGGTAAAATAATA-3'
Protein context (NP_001159435.1, residues 1608-1628): DFVVVILSIV[Gly1618Arg]MFLAELIEKY

ClinVar aggregate classification (germline): Pathogenic (1 of 4 stars; one submission).

Conditions:
Early-infantile DEE. Also called: Ohtahara syndrome; Early infantile epileptic encephalopathy with suppression bursts; Early infantile epileptic encephalopathy. Identifiers: Orphanet 1934, MedGen C0393706, MONDO:0800491.

Submission:

Labcorp Genetics (formerly Invitae), Labcorp
Classification: Pathogenic for Early-infantile DEE. Last evaluated: 2024-02-06. Review status: criteria provided, single submitter. Criteria: Invitae Variant Classification Sherloc (09022015). Collection method: clinical testing. Allele origin: germline.
Comment: This sequence change replaces glycine, which is neutral and non-polar, with arginine, which is basic and polar, at codon 1618 of the SCN1A protein (p.Gly1618Arg). This variant also falls at the last nucleotide of exon 25, which is part of the consensus splice site for this exon. This variant is not present in population databases (gnomAD no frequency). This missense change has been observed in individual(s) with clinical features of autosomal dominant developmental and epileptic encephalopathy (Invitae). In at least one individual the variant was observed to be de novo. An algorithm developed to predict the effect of missense changes on protein structure and function (PolyPhen-2) suggests that this variant is likely to be disruptive. Variants that disrupt the consensus splice site are a relatively common cause of aberrant splicing (PMID: 17576681, 9536098). Algorithms developed to predict the effect of sequence changes on RNA splicing suggest that this variant may disrupt the consensus splice site. This variant disrupts the c.4852G nucleotide in the SCN1A gene. Other variant(s) that disrupt this nucleotide have been determined to be pathogenic (PMID: 34938262). This suggests that this nucleotide is clinically significant, and that variants that disrupt this position are likely to be disease-causing. For these reasons, this variant has been classified as Pathogenic.

Literature cited by the submitters: PubMed 17576681; PubMed 9536098; PubMed 34938262.